The following is an entry in ClinVar:

NM_001174150.2(ARL13B):c.20G>A (p.Ser7Asn)

Gene: ARL13B (ARF like GTPase 13B; plus strand). Cytogenetic location: 3q11.1.
Variant type: single nucleotide variant.
Coding change: c.20G>A on transcript NM_001174150.2 (MANE Select); coding-DNA position 20, G replaced by A.
Protein change: p.Ser7Asn; replaces serine 7 with asparagine.
Molecular consequence: missense variant. On other transcripts: 5 prime UTR variant (2), non-coding transcript variant (2).
Genome position (GRCh38, 1-based): chr3:93,980,443, G>A. VCF-style: chr3-93980443-G-A. GRCh37 (hg19) VCF-style: chr3-93699287-G-A.
Other names: c.-219G>A (NM_001174151.2); c.-148G>A (NM_001321328.2); c.20G>A, p.Ser7Asn (NM_144996.4, NM_182896.3); short protein forms S7N.
Identifiers: ClinVar variation 1351892 (VCV001351892.6), dbSNP rs1360370074, ClinGen allele CA353675034.

ClinVar aggregate classification (germline): Uncertain significance (1 of 4 stars; one submission).

Conditions:
Joubert syndrome 8 (JBTS8). Identifiers: Orphanet 475, MedGen C2676771, MONDO:0012855, OMIM 612291.

Allele frequency attached by ClinVar (database versions not stated): TOPMed below 0.00001; gnomAD 0.00001.

Submission:

Labcorp Genetics (formerly Invitae), Labcorp
Classification: Uncertain significance for Joubert syndrome 8. Last evaluated: 2022-07-11. Review status: criteria provided, single submitter. Criteria: Invitae Variant Classification Sherloc (09022015). Collection method: clinical testing. Allele origin: germline.
Comment: ClinVar contains an entry for this variant (Variation ID: 1351892). In summary, the available evidence is currently insufficient to determine the role of this variant in disease. Therefore, it has been classified as a Variant of Uncertain Significance. Algorithms developed to predict the effect of missense changes on protein structure and function output the following: SIFT: "Tolerated"; PolyPhen-2: "Benign"; Align-GVGD: "Class C0". The asparagine amino acid residue is found in multiple mammalian species, which suggests that this missense change does not adversely affect protein function. This variant has not been reported in the literature in individuals affected with ARL13B-related conditions. This variant is not present in population databases (gnomAD no frequency). This sequence change replaces serine, which is neutral and polar, with asparagine, which is neutral and polar, at codon 7 of the ARL13B protein (p.Ser7Asn).